The following is an entry in ClinVar:

ClinVar aggregate classification (germline): Uncertain significance (1 of 4 stars; one submission).

Conditions:
Immunodeficiency 28 (IMD28). Also called: IFNGR2 DEFICIENCY. Identifiers: Orphanet 319547, Orphanet 319574, MedGen C4013947, MONDO:0013953, OMIM 614889.

Allele frequency attached by ClinVar (database versions not stated): gnomAD exomes below 0.00001 and 0.00013; TOPMed 0.00001; ExAC 0.00002; gnomAD 0.00002 and 0.00007; 1000 Genomes Project 30x 0.00031; 1000 Genomes Project 0.00040.
gnomAD v4.1: 190 of 1,612,414 alleles (0.012%); highest among the groups gnomAD compares: East Asian, 0.42%; 4 homozygotes.

Submission:

Labcorp Genetics (formerly Invitae), Labcorp
Classification: Uncertain significance for Immunodeficiency 28. Last evaluated: 2023-11-13. Review status: criteria provided, single submitter. Criteria: Invitae Variant Classification Sherloc (09022015). Collection method: clinical testing. Allele origin: germline.
Comment: This sequence change replaces glutamine, which is neutral and polar, with proline, which is neutral and non-polar, at codon 290 of the IFNGR2 protein (p.Gln290Pro). This variant is present in population databases (rs143025663, gnomAD 0.02%). This variant has not been reported in the literature in individuals affected with IFNGR2-related conditions. ClinVar contains an entry for this variant (Variation ID: 1507747). Advanced modeling of protein sequence and biophysical properties (such as structural, functional, and spatial information, amino acid conservation, physicochemical variation, residue mobility, and thermodynamic stability) performed at Invitae indicates that this missense variant is expected to disrupt IFNGR2 protein function with a positive predictive value of 80%. In summary, the available evidence is currently insufficient to determine the role of this variant in disease. Therefore, it has been classified as a Variant of Uncertain Significance.

NM_005534.4(IFNGR2):c.869A>C (p.Gln290Pro)

Genes: IFNGR2 (interferon gamma receptor 2; plus strand), TMEM50B (transmembrane protein 50B; minus strand). Cytogenetic location: 21q22.11.
Variant type: single nucleotide variant.
Coding change: c.869A>C on transcript NM_005534.4 (MANE Select); coding-DNA position 869, A replaced by C.
Protein change: p.Gln290Pro; replaces glutamine 290 with proline.
Molecular consequence: missense variant.
Genome position (GRCh38, 1-based): chr21:33,432,861, A>C. VCF-style: chr21-33432861-A-C. GRCh37 (hg19) VCF-style: chr21-34805168-A-C.
Other names: c.926A>C, p.Gln309Pro (NM_001329128.2); short protein forms Q309P, Q290P.
Identifiers: ClinVar variation 1507747 (VCV001507747.8), dbSNP rs143025663, ClinGen allele CA10007026.